The following is an entry in ClinVar:

NM_000232.5(SGCB):c.243+5G>A

Gene: SGCB (sarcoglycan beta; minus strand). Cytogenetic location: 4q12.
Variant type: single nucleotide variant.
Coding change: c.243+5G>A on transcript NM_000232.5 (MANE Select); 5 bases into the intron after coding-DNA position 243, G replaced by A.
Molecular consequence: intron variant.
Genome position (GRCh38, 1-based): chr4:52,033,426, C>T on the plus strand (G>A on the coding strand, the complement: SGCB is on the minus strand). VCF-style: chr4-52033426-C-T. GRCh37 (hg19) VCF-style: chr4-52899592-C-T.
Other names: c.34-3563G>A (NM_001440519.1); c.-165+5G>A (NM_001440520.1).
Identifiers: ClinVar variation 5004935 (VCV005004935.1).

ClinVar aggregate classification (germline): Uncertain significance (1 of 4 stars; one submission).

Conditions:
Autosomal recessive limb-girdle muscular dystrophy type 2E (LGMDR4). Also called: MUSCULAR DYSTROPHY, LIMB-GIRDLE, AUTOSOMAL RECESSIVE 4. Identifiers: Orphanet 119, MedGen C1858593, MONDO:0011423, OMIM 604286. Disease mechanism: Affects gamma-sarcoglycan and also disrupts the integrity of the entire sarcoglycan complex..

Submission:

Myriad Genetics, Inc.
Classification: Uncertain significance for Autosomal recessive limb-girdle muscular dystrophy type 2E. Last evaluated: 2026-02-19. Review status: criteria provided, single submitter. Criteria: Myriad Autosomal Dominant, Autosomal Recessive and X-Linked Classification Criteria (2023). Collection method: clinical testing. Allele origin: unknown.
Comment: NM_000232.4(SGCB):c.243+5G>A is an intronic variant classified as a variant of uncertain significance in the context of beta-sarcoglycanopathy. c.243+5G>A has been observed in a case with relevant disease (PMID: 18996010). Relevant functional assessments of this variant are not available in the literature. c.243+5G>A has not been observed in referenced population frequency databases. In summary, there is insufficient evidence to classify NM_000232.4(SGCB):c.243+5G>A as pathogenic or benign. Please note: this variant was assessed in the context of healthy population screening.

Literature cited by the submitters: PubMed 18996010.